The following is an entry in ClinVar:

ClinVar aggregate classification (germline): Pathogenic. Review status: criteria provided, multiple submitters, no conflicts (2 of 4 stars). 5 submissions from 5 submitters: Pathogenic (4). 1 of the submissions does not count toward it. Last evaluated 2024-05-18.

Conditions:
Vitelliform macular dystrophy 3 (VMD3). Also called: PRPH2 vitelliform macular dystrophy; vitelliform macular dystrophy caused by mutation in PRPH2. Identifiers: MedGen CN295869, MONDO:0024561, OMIM 608161.
PRPH2-related disorder. Also called: PRPH2-related disorders; PRPH2-related condition. Identifiers: MedGen CN239395.

Submissions (5):

Labcorp Genetics (formerly Invitae), Labcorp
Classification: Pathogenic for PRPH2-related disorder. Last evaluated: 2024-05-18. Review status: criteria provided, single submitter. Criteria: Invitae Variant Classification Sherloc (09022015). Collection method: clinical testing. Allele origin: germline.
Comment: This sequence change creates a premature translational stop signal (p.Val312Cysfs*12) in the PRPH2 gene. While this is not anticipated to result in nonsense mediated decay, it is expected to disrupt the last 35 amino acid(s) of the PRPH2 protein. This variant is not present in population databases (gnomAD no frequency). This variant has not been reported in the literature in individuals affected with PRPH2-related conditions. ClinVar contains an entry for this variant (Variation ID: 865787). This variant disrupts a region of the PRPH2 protein in which other variant(s) (p.Val332Glu) have been determined to be pathogenic (PMID: 30718709, 32531846; Invitae). This suggests that this is a clinically significant region of the protein, and that variants that disrupt it are likely to be disease-causing. For these reasons, this variant has been classified as Pathogenic.

Institute of Medical Genetics and Applied Genomics, University Hospital Tübingen
Classification: Pathogenic. Last evaluated: 2021-09-15. Review status: criteria provided, single submitter. Criteria: ACMG Guidelines, 2015. Collection method: clinical testing. Allele origin: germline. Inheritance: Autosomal dominant inheritance. Affected: yes.

Blueprint Genetics
Classification: Pathogenic for PRPH2-related disorders. Last evaluated: 2018-08-10. Review status: criteria provided, single submitter. Criteria: ACMG Guidelines, 2015. Collection method: clinical testing. Allele origin: germline. Affected: yes. Observed: 5 variant alleles.

CeGaT Center for Human Genetics Tuebingen
Classification: Pathogenic. Last evaluated: 2017-01-01. Review status: criteria provided, single submitter. Criteria: CeGaT Center For Human Genetics Tuebingen Variant Classification Criteria Version 2. Collection method: clinical testing. Allele origin: germline. Affected: yes. Observed: 1 variant allele.

Leiden Open Variation Database
Classification: Likely pathogenic for Vitelliform macular dystrophy 3. Last evaluated: 2020-12-01. Review status: no assertion criteria provided. Collection method: curation. Allele origin: germline. Affected: yes. Not counted in ClinVar's aggregate classification.
Comment: Curator: Global Variome, with Curator vacancy. Submitter to LOVD: Andreas Laner.

Literature cited by the submitters: PubMed 30718709 (cited by Labcorp Genetics (formerly Invitae), Labcorp); PubMed 32531846 (cited by Labcorp Genetics (formerly Invitae), Labcorp).

NM_000322.5(PRPH2):c.934del (p.Val312fs)

Gene: PRPH2 (peripherin 2; minus strand). Cytogenetic location: 6p21.1.
Variant type: Deletion.
Coding change: c.934del on transcript NM_000322.5 (MANE Select); coding-DNA position 934, one base deleted (G; older notation c.934delG).
Protein change: p.Val312fs; shifts the reading frame from valine 312.
Molecular consequence: frameshift variant.
Genome position (GRCh38, 1-based): chr6:42,698,402, C deleted on the plus strand (G on the coding strand, the reverse complement: PRPH2 is on the minus strand). VCF-style (leftmost placement, unchanged base first): chr6-42698401-AC-A. GRCh37 (hg19) VCF-style: chr6-42666139-AC-A.
Other names: short protein forms V312fs.
Identifiers: ClinVar variation 865787 (VCV000865787.48), dbSNP rs1799986608, ClinGen allele CA916082824.
Genomic context (GRCh38, chr6:42,698,401, plus strand): 5'-ACCTGGTTGCCCTTGCCCAGCTTCTTCACACTCTCCAGAAAGGCCTTCCAGGTCTCCGGC[AC>A]GCTCCTCTCCAGCAGCCAGCCCTGGCTCTCGCTCTCAGATTCCTCGGGGTTGGACACACC-3'